The following is an entry in ClinVar:

ClinVar aggregate classification (germline): Uncertain significance. Review status: criteria provided, multiple submitters, no conflicts (2 of 4 stars). 2 submissions from 2 submitters: Uncertain significance (2). Last evaluated 2024-01-17.

Conditions:
Inborn genetic diseases. Identifiers: MedGen C0950123, MeSH D030342.

Allele frequency attached by ClinVar (database versions not stated): gnomAD 0.00001.
gnomAD v4.1: 2 of 1,600,876 alleles (0.00012%); highest among the groups gnomAD compares: Admixed American, 0.0017%; no homozygotes.

Submissions (2):

Ambry Genetics
Classification: Uncertain significance for Inborn genetic diseases. Last evaluated: 2024-01-17. Review status: criteria provided, single submitter. Criteria: Ambry Variant Classification Scheme 2023. Collection method: clinical testing. Allele origin: germline.

Labcorp Genetics (formerly Invitae), Labcorp
Classification: Uncertain significance. Last evaluated: 2023-11-17. Review status: criteria provided, single submitter. Criteria: Invitae Variant Classification Sherloc (09022015). Collection method: clinical testing. Allele origin: germline.
Comment: This sequence change replaces isoleucine, which is neutral and non-polar, with serine, which is neutral and polar, at codon 4550 of the ADGRV1 protein (p.Ile4550Ser). This variant is not present in population databases (gnomAD no frequency). This variant has not been reported in the literature in individuals affected with ADGRV1-related conditions. ClinVar contains an entry for this variant (Variation ID: 1953676). Advanced modeling of protein sequence and biophysical properties (such as structural, functional, and spatial information, amino acid conservation, physicochemical variation, residue mobility, and thermodynamic stability) performed at Invitae indicates that this missense variant is not expected to disrupt ADGRV1 protein function with a negative predictive value of 80%. In summary, the available evidence is currently insufficient to determine the role of this variant in disease. Therefore, it has been classified as a Variant of Uncertain Significance.

NM_032119.4(ADGRV1):c.13649T>G (p.Ile4550Ser)

Gene: ADGRV1 (adhesion G protein-coupled receptor V1; plus strand). Cytogenetic location: 5q14.3.
Variant type: single nucleotide variant.
Coding change: c.13649T>G on transcript NM_032119.4 (MANE Select); coding-DNA position 13649, T replaced by G.
Protein change: p.Ile4550Ser; replaces isoleucine 4550 with serine.
Molecular consequence: missense variant. On other transcripts: non-coding transcript variant (1).
Genome position (GRCh38, 1-based): chr5:90,784,053, T>G. VCF-style: chr5-90784053-T-G. GRCh37 (hg19) VCF-style: chr5-90079870-T-G.
Other names: c.13649T>G (NM_032119.3); short protein forms I4550S.
Identifiers: ClinVar variation 1953676 (VCV001953676.5), dbSNP rs886681893, ClinGen allele CA122809522.